The following is an entry in ClinVar:

NM_201384.3(PLEC):c.10474G>A (p.Gly3492Ser)

Gene: PLEC (plectin; minus strand). Cytogenetic location: 8q24.3.
Variant type: single nucleotide variant.
Coding change: c.10474G>A on transcript NM_201384.3 (MANE Select); coding-DNA position 10474, G replaced by A.
Protein change: p.Gly3492Ser; replaces glycine 3492 with serine.
Molecular consequence: missense variant.
Genome position (GRCh38, 1-based): chr8:143,919,347, C>T on the plus strand (G>A on the coding strand, the complement: PLEC is on the minus strand). VCF-style: chr8-143919347-C-T. GRCh37 (hg19) VCF-style: chr8-144993515-C-T.
Other names: c.10555G>A, p.Gly3519Ser (NM_000445.5); c.10432G>A, p.Gly3478Ser (NM_201378.4); c.10408G>A, p.Gly3470Ser (NM_201379.3); c.10885G>A, p.Gly3629Ser (NM_201380.4); c.10378G>A, p.Gly3460Ser (NM_201381.3); c.10474G>A, p.Gly3492Ser (NM_201382.4); c.10486G>A, p.Gly3496Ser (NM_201383.3); c.10555G>A (NM_000445.3); short protein forms G3460S, G3470S, G3492S, G3629S, G3478S, G3496S, G3519S.
Identifiers: ClinVar variation 566933 (VCV000566933.15), dbSNP rs544332992, ClinGen allele CA4924636.
Genomic context (GRCh38, chr8:143,919,347, plus strand): 5'-AGCCCTTGGTGTCGTCGCTGGGGTCCGCCAGGACGCGGTTCATCTCCTCACTGAAGTAGC[C>T]GCGCTGGTAGGCCACGTCCACAGGCACGCGGTGGCTGTGCACGGGGTCGATGATGCCGCC-3'
Protein context (NP_958786.1, residues 3482-3502): RVPVDVAYQR[Gly3492Ser]YFSEEMNRVL

ClinVar aggregate classification (germline): Uncertain significance. Review status: criteria provided, multiple submitters, no conflicts (2 of 4 stars). 4 submissions from 4 submitters: Uncertain significance (4). Last evaluated 2025-03-03.

Conditions:
Epidermolysis bullosa simplex, Ogna type (EBS5A). Also called: Pidermolysis bullosa simplex 5A, Ogna type; EPIDERMOLYSIS BULLOSA SIMPLEX 5A, OGNA TYPE. Identifiers: Orphanet 79401, MedGen C0432317, MONDO:0007555, OMIM 131950.
Autosomal recessive limb-girdle muscular dystrophy type 2Q (LGMDR17). Also called: MUSCULAR DYSTROPHY, LIMB-GIRDLE, AUTOSOMAL RECESSIVE 17. Identifiers: Orphanet 254361, MedGen C3150989, MONDO:0013390, OMIM 613723.
Epidermolysis bullosa simplex 5C, with pyloric atresia (EBS5C). Also called: PLEC-Related Epidermolysis Bullosa with Pyloric Atresia; Epidermolysis bullosa simplex with pyloric atresia; PLEC1-Related Epidermolysis Bullosa with Pyloric Atresia. Identifiers: Orphanet 158684, MedGen C2677349, MONDO:0012807, OMIM 612138.
Epidermolysis bullosa simplex 5B, with muscular dystrophy (EBS5B). Also called: EPIDERMOLYSIS BULLOSA SIMPLEX AND LIMB-GIRDLE MUSCULAR DYSTROPHY; Epidermolysis bullosa simplex with muscular dystrophy. Identifiers: Orphanet 257, MedGen C2931072, MONDO:0009181, OMIM 226670.
Epidermolysis bullosa simplex with nail dystrophy (EBS5D). Identifiers: MedGen C4225309, MONDO:0014661, OMIM 616487.
Inborn genetic diseases. Identifiers: MedGen C0950123, MeSH D030342.

Allele frequency attached by ClinVar (database versions not stated): gnomAD 0.00002; TOPMed 0.00004; 1000 Genomes Project 30x 0.00016; 1000 Genomes Project 0.00020.
gnomAD v4.1: 69 of 1,613,902 alleles (0.0043%); highest among the groups gnomAD compares: South Asian, 0.015%; no homozygotes.

Submissions (4):

Labcorp Genetics (formerly Invitae), Labcorp
Classification: Uncertain significance for Autosomal recessive limb-girdle muscular dystrophy type 2Q; Epidermolysis bullosa simplex, Ogna type; Epidermolysis bullosa simplex with nail dystrophy; Epidermolysis bullosa simplex 5C, with pyloric atresia; Epidermolysis bullosa simplex 5B, with muscular dystrophy. Last evaluated: 2025-03-03. Review status: criteria provided, single submitter. Criteria: Invitae Variant Classification Sherloc (09022015). Collection method: clinical testing. Allele origin: germline.
Comment: This sequence change replaces glycine, which is neutral and non-polar, with serine, which is neutral and polar, at codon 3519 of the PLEC protein (p.Gly3519Ser). This variant is present in population databases (rs544332992, gnomAD 0.03%). This variant has not been reported in the literature in individuals affected with PLEC-related conditions. ClinVar contains an entry for this variant (Variation ID: 566933). Invitae Evidence Modeling of protein sequence and biophysical properties (such as structural, functional, and spatial information, amino acid conservation, physicochemical variation, residue mobility, and thermodynamic stability) has been performed for this missense variant. However, the output from this modeling did not meet the statistical confidence thresholds required to predict the impact of this variant on PLEC protein function. In summary, the available evidence is currently insufficient to determine the role of this variant in disease. Therefore, it has been classified as a Variant of Uncertain Significance.

Ambry Genetics
Classification: Uncertain significance for Inborn genetic diseases. Last evaluated: 2024-01-30. Review status: criteria provided, single submitter. Criteria: Ambry Variant Classification Scheme 2023. Collection method: clinical testing. Allele origin: germline.

GeneDx
Classification: Uncertain significance. Last evaluated: 2023-06-12. Review status: criteria provided, single submitter. Criteria: GeneDx Variant Classification Process June 2021. Collection method: clinical testing. Allele origin: germline. Affected: yes.
Comment: In silico analysis supports that this missense variant has a deleterious effect on protein structure/function; Has not been previously published as pathogenic or benign to our knowledge

Revvity Omics, Revvity
Classification: Uncertain significance. Last evaluated: 2021-11-16. Review status: criteria provided, single submitter. Criteria: ACMG Guidelines, 2015. Collection method: clinical testing. Allele origin: germline.